The following is an entry in ClinVar:

NM_001080449.3(DNA2):c.931C>A (p.Arg311Ser)

Gene: DNA2 (DNA replication helicase/nuclease 2; minus strand). Cytogenetic location: 10q21.3.
Variant type: single nucleotide variant.
Coding change: c.931C>A on transcript NM_001080449.3 (MANE Select); coding-DNA position 931, C replaced by A.
Protein change: p.Arg311Ser; replaces arginine 311 with serine.
Molecular consequence: missense variant. On other transcripts: non-coding transcript variant (1).
Genome position (GRCh38, 1-based): chr10:68,450,036, G>T on the plus strand (C>A on the coding strand, the complement: DNA2 is on the minus strand). VCF-style: chr10-68450036-G-T. GRCh37 (hg19) VCF-style: chr10-70209793-G-T.
Other names: short protein forms R311S.
Identifiers: ClinVar variation 3619611 (VCV003619611.2).
Genomic context (GRCh38, chr10:68,450,036, plus strand): 5'-AAAAAAAAAAAAAAAAGTATAAAACAGACAATTTTCTTATTAACATTTATACCTGACTAC[G>T]GTGTTCAATAGAATTTGATTCTTTGCCAGTTTTAAGTTCCAGCGGCATTATCTTGTATTT-3'
Protein context (NP_001073918.2, residues 301-321): TGKESNSIEH[Arg311Ser]SQVVLYTLLS

ClinVar aggregate classification (germline): Uncertain significance (1 of 4 stars; one submission).

gnomAD v4.1: 12 of 1,577,902 alleles (0.00076%); highest among the groups gnomAD compares: Non-Finnish European, 0.00095%; no homozygotes.

Submission:

Labcorp Genetics (formerly Invitae), Labcorp
Classification: Uncertain significance. Last evaluated: 2024-02-10. Review status: criteria provided, single submitter. Criteria: Invitae Variant Classification Sherloc (09022015). Collection method: clinical testing. Allele origin: germline.
Comment: This sequence change replaces arginine, which is basic and polar, with serine, which is neutral and polar, at codon 311 of the DNA2 protein (p.Arg311Ser). This variant is not present in population databases (gnomAD no frequency). This variant has not been reported in the literature in individuals affected with DNA2-related conditions. Advanced modeling of protein sequence and biophysical properties (such as structural, functional, and spatial information, amino acid conservation, physicochemical variation, residue mobility, and thermodynamic stability) performed at Invitae indicates that this missense variant is expected to disrupt DNA2 protein function with a positive predictive value of 80%. In summary, the available evidence is currently insufficient to determine the role of this variant in disease. Therefore, it has been classified as a Variant of Uncertain Significance.